The following is an entry in ClinVar:

NM_212482.4(FN1):c.5666C>T (p.Thr1889Ile)

Gene: FN1 (fibronectin 1; minus strand). Cytogenetic location: 2q35.
Variant type: single nucleotide variant.
Coding change: c.5666C>T on transcript NM_212482.4 (MANE Select); coding-DNA position 5666, C replaced by T.
Protein change: p.Thr1889Ile; replaces threonine 1889 with isoleucine.
Molecular consequence: missense variant.
Genome position (GRCh38, 1-based): chr2:215,378,219, G>A on the plus strand (C>T on the coding strand, the complement: FN1 is on the minus strand). VCF-style: chr2-215378219-G-A. GRCh37 (hg19) VCF-style: chr2-216242942-G-A.
Other names: c.5666C>T, p.Thr1889Ile (NM_001306129.2); c.5396C>T, p.Thr1799Ile (NM_001306130.2, NM_001365517.2, NM_001365519.2 and 2 more transcripts); c.5123C>T, p.Thr1708Ile (NM_001306131.2, NM_001306132.2, NM_001365523.2 and 2 more transcripts); c.5393C>T, p.Thr1798Ile (NM_001365518.2, NM_001365520.2, NM_001365524.2 and 2 more transcripts); short protein forms T1889I, T1708I, T1798I, T1799I.
Identifiers: ClinVar variation 2585222 (VCV002585222.1), dbSNP rs753670973, ClinGen allele CA2094063.

ClinVar aggregate classification (germline): Uncertain significance (1 of 4 stars; one submission).

Conditions:
Glomerulopathy with fibronectin deposits 2 (GFND2). Identifiers: Orphanet 84090, MedGen C1866075, MONDO:0011165, OMIM 601894.

Allele frequency attached by ClinVar (database versions not stated): gnomAD exomes below 0.00001; ExAC 0.00001; gnomAD 0.00001.
gnomAD v4.1: 2 of 1,612,444 alleles (0.00012%); highest among the groups gnomAD compares: South Asian, 0.0022%; no homozygotes.

Submission:

Neuberg Centre For Genomic Medicine, NCGM
Classification: Uncertain significance for Glomerulopathy with fibronectin deposits 2. Review status: criteria provided, single submitter. Criteria: ACMG Guidelines, 2015. Collection method: clinical testing. Allele origin: germline. Inheritance: Autosomal dominant inheritance. Affected: yes.
Comment: The missense variant in c.5666C>T(p.Thr1889Ile) in FN1 gene has not been reported previously as a pathogenic variant nor as a benign variant, to our knowledge. The p.Thr1889Ile variant is reported with the allele frequency (0.0004%) in the gnomad and novel in 1000 genome database. The amino acid Threonine at position 1889 is changed to a Isoleucine changing protein sequence and it might alter its composition and physico-chemical properties. The variant is predicted to be damaging by both SIFT and PolyPhen2. The residue is conserved across species. For these reasons, this variant has been classified as Uncertain Significance